The following is an entry in ClinVar:

NM_020207.7(ERCC6L2):c.500A>C (p.His167Pro)

Gene: ERCC6L2 (ERCC excision repair 6 like 2; plus strand). Cytogenetic location: 9q22.32.
Variant type: single nucleotide variant.
Coding change: c.500A>C on transcript NM_020207.7 (MANE Select); coding-DNA position 500, A replaced by C.
Protein change: p.His167Pro; replaces histidine 167 with proline.
Molecular consequence: missense variant. On other transcripts: non-coding transcript variant (1).
Genome position (GRCh38, 1-based): chr9:95,897,877, A>C. VCF-style: chr9-95897877-A-C. GRCh37 (hg19) VCF-style: chr9-98660159-A-C.
Other names: c.500A>C, p.His167Pro (NM_001010895.4, NM_001375291.1, NM_001375292.1 and 2 more transcripts); c.533A>C (NM_001010895.2); short protein forms H167P.
Identifiers: ClinVar variation 2193436 (VCV002193436.3), dbSNP rs200568420, ClinGen allele CA196559532.

ClinVar aggregate classification (germline): Uncertain significance. Review status: criteria provided, multiple submitters, no conflicts (2 of 4 stars). 2 submissions from 2 submitters: Uncertain significance (2). Last evaluated 2023-10-25.

Conditions:
Inborn genetic diseases. Identifiers: MedGen C0950123, MeSH D030342.

gnomAD v4.1: 8 of 1,612,800 alleles (0.0005%); highest among the groups gnomAD compares: Admixed American, 0.0033%; no homozygotes.

Submissions (2):

Labcorp Genetics (formerly Invitae), Labcorp
Classification: Uncertain significance. Last evaluated: 2023-10-25. Review status: criteria provided, single submitter. Criteria: Invitae Variant Classification Sherloc (09022015). Collection method: clinical testing. Allele origin: germline.
Comment: This sequence change replaces histidine, which is basic and polar, with proline, which is neutral and non-polar, at codon 178 of the ERCC6L2 protein (p.His178Pro). This variant is present in population databases (rs200568420, gnomAD 0.003%). This variant has not been reported in the literature in individuals affected with ERCC6L2-related conditions. ClinVar contains an entry for this variant (Variation ID: 2193436). Experimental studies and prediction algorithms are not available or were not evaluated, and the functional significance of this variant is currently unknown. In summary, the available evidence is currently insufficient to determine the role of this variant in disease. Therefore, it has been classified as a Variant of Uncertain Significance.

Ambry Genetics
Classification: Uncertain significance for Inborn genetic diseases. Last evaluated: 2021-08-16. Review status: criteria provided, single submitter. Criteria: Ambry Variant Classification Scheme 2023. Collection method: clinical testing. Allele origin: germline.